The following is an entry in ClinVar:

NM_003000.3(SDHB):c.778G>C (p.Gly260Arg)

Gene: SDHB (succinate dehydrogenase complex iron sulfur subunit B; minus strand). Cytogenetic location: 1p36.13.
Variant type: single nucleotide variant.
Coding change: c.778G>C on transcript NM_003000.3 (MANE Select); coding-DNA position 778, G replaced by C.
Protein change: p.Gly260Arg; replaces glycine 260 with arginine.
Molecular consequence: missense variant.
Genome position (GRCh38, 1-based): chr1:17,018,946, C>G on the plus strand (G>C on the coding strand, the complement: SDHB is on the minus strand). VCF-style: chr1-17018946-C-G. GRCh37 (hg19) VCF-style: chr1-17345441-C-G.
Other names: short protein forms G260R.
Identifiers: ClinVar variation 945045 (VCV000945045.9), dbSNP rs1187293049, ClinGen allele CA338268998.

ClinVar aggregate classification (germline): Conflicting classifications of pathogenicity. Review status: criteria provided, conflicting classifications (1 of 4 stars). 3 submissions from 3 submitters: Likely pathogenic (1); Uncertain significance (2). Last evaluated 2024-09-18.

Conditions:
Hereditary cancer-predisposing syndrome. Also called: Hereditary neoplastic syndrome; Neoplastic Syndromes, Hereditary; Hereditary Cancer Syndrome; Tumor predisposition. Identifiers: Orphanet 140162, MedGen C0027672, MeSH D009386, MONDO:0015356.
Gastrointestinal stromal tumor. Also called: Gastrointestinal stromal tumor, somatic; Gastrointestinal stroma tumor. Identifiers: Orphanet 44890, MedGen C0238198, MeSH D046152, MONDO:0011719, OMIM 606764, HP:0100723.
Pheochromocytoma/paraganglioma syndrome 4. Also called: CAROTID BODY TUMORS AND MULTIPLE EXTRAADRENAL PHEOCHROMOCYTOMAS; SDHB-Related Hereditary Paraganglioma-Pheochromocytoma Syndrome; Paragangliomas 4; SDHB-Related Hereditary Paraganglioma-Pheochromocytoma Syndrome (Paragangliomas 4); PARAGANGLIOMA, FAMILIAL MALIGNANT; PARAGANGLIOMAS, HEREDITARY EXTRAADRENAL. Identifiers: Orphanet 29072, MedGen C1861848, MONDO:0007273, OMIM 115310.
Pheochromocytoma. Also called: MAX-Related Hereditary Paraganglioma-Pheochromocytoma Syndrome. Identifiers: Orphanet 29072, MedGen C0031511, MONDO:0008233, OMIM 171300, HP:0002666.

Allele frequency attached by ClinVar (database versions not stated): TOPMed below 0.00001; gnomAD 0.00001.
gnomAD v4.1: 1 of 1,611,052 alleles (0.000062%); highest among the groups gnomAD compares: Non-Finnish European, 0.000085%; no homozygotes.

Submissions (3):

Ambry Genetics
Classification: Likely pathogenic for Hereditary cancer-predisposing syndrome. Last evaluated: 2024-09-18. Review status: criteria provided, single submitter. Criteria: Ambry Variant Classification Scheme 2023. Collection method: clinical testing. Allele origin: germline.
Comment: The p.G260R variant (also known as c.778G>C), located in coding exon 8 of the SDHB gene, results from a G to C substitution at nucleotide position 778. The glycine at codon 260 is replaced by arginine, an amino acid with dissimilar properties. This variant has been reported in multiple individuals with features consistent with SDHB-related paraganglioma-pheochromocytoma syndrome (Neumann HP et al. Cancer Res, 2009 Apr;69:3650-6; Ambry internal data). This amino acid position is highly conserved in available vertebrate species. In addition, this alteration is predicted to be deleterious by in silico analysis. Based on the majority of available evidence to date, this variant is likely to be pathogenic.

GeneDx
Classification: Uncertain significance. Last evaluated: 2024-02-27. Review status: criteria provided, single submitter. Criteria: GeneDx Variant Classification Process June 2021. Collection method: clinical testing. Allele origin: germline. Affected: yes.
Comment: Not observed at significant frequency in large population cohorts (gnomAD); In silico analysis supports that this missense variant has a deleterious effect on protein structure/function; Published functional studies suggest no damaging effect (PMID: 23175444); This variant is associated with the following publications: (PMID: 23175444, 31492822, 19351833)

Labcorp Genetics (formerly Invitae), Labcorp
Classification: Uncertain significance for Gastrointestinal stromal tumor; Pheochromocytoma/paraganglioma syndrome 4; Pheochromocytoma. Last evaluated: 2021-04-28. Review status: criteria provided, single submitter. Criteria: Invitae Variant Classification Sherloc (09022015). Collection method: clinical testing. Allele origin: germline.
Comment: In summary, the available evidence is currently insufficient to determine the role of this variant in disease. Therefore, it has been classified as a Variant of Uncertain Significance. This variant has been reported not to substantially affect SDHB protein function (PMID: 23175444). This variant has been observed in individuals affected with head and neck paraganglioma (PMID: 19351833). This variant is not present in population databases (ExAC no frequency). This sequence change replaces glycine with arginine at codon 260 of the SDHB protein (p.Gly260Arg). The glycine residue is highly conserved and there is a moderate physicochemical difference between glycine and arginine.

Literature cited by the submitters: PubMed 19351833 (cited by Ambry Genetics and Labcorp Genetics (formerly Invitae), Labcorp); PubMed 23175444 (cited by Labcorp Genetics (formerly Invitae), Labcorp).